The following is an entry in ClinVar:

ClinVar aggregate classification (germline): Likely benign (1 of 4 stars; one submission).

Conditions:
Pyridoxine-dependent epilepsy (EPEO4). Also called: Pyridoxine-Dependent Epilepsy - ALDH7A1; PYRIDOXINE DEPENDENCY WITH SEIZURES; EPILEPSY, EARLY-ONSET, 4, VITAMIN B6-DEPENDENT; Pyridoxine-Dependent Seizures. Identifiers: Orphanet 3006, MedGen C1849508, MONDO:0009945, OMIM 266100. Disease mechanism: loss of function.

Allele frequency attached by ClinVar (database versions not stated): TOPMed 0.00393; gnomAD 0.00331 and 0.00352; 1000 Genomes Project 30x 0.00406; 1000 Genomes Project 0.00379.

Submission:

Illumina Laboratory Services, Illumina
Classification: Likely benign for Pyridoxine-dependent epilepsy. Last evaluated: 2018-01-12. Review status: criteria provided, single submitter. Criteria: ICSL Variant Classification Criteria 13 December 2019. Collection method: clinical testing. Allele origin: germline.
Comment: This variant was observed in the ICSL laboratory as part of a predisposition screen in an ostensibly healthy population. It had not been previously curated by ICSL or reported in the Human Gene Mutation Database (HGMD: prior to June 1st, 2018), and was therefore a candidate for classification through an automated scoring system. Utilizing variant allele frequency, disease prevalence and penetrance estimates, and inheritance mode, an automated score was calculated to assess if this variant is too frequent to cause the disease. Based on the score and internal cut-off values, a variant classified as likely benign is not then subjected to further curation. The score for this variant resulted in a classification of likely benign for this disease.

NM_001182.5(ALDH7A1):c.*690T>C

Gene: ALDH7A1 (aldehyde dehydrogenase 7 family member A1; minus strand). Cytogenetic location: 5q23.2.
Variant type: single nucleotide variant.
Coding change: c.*690T>C on transcript NM_001182.5 (MANE Select); 690 bases downstream of the stop codon, T replaced by C.
Molecular consequence: 3 prime UTR variant.
Genome position (GRCh38, 1-based): chr5:126,544,275, A>G on the plus strand (T>C on the coding strand, the complement: ALDH7A1 is on the minus strand). VCF-style: chr5-126544275-A-G. GRCh37 (hg19) VCF-style: chr5-125879967-A-G.
Other names: c.*690T>C (NM_001201377.2, NM_001202404.2).
Identifiers: ClinVar variation 350574 (VCV000350574.5), dbSNP rs139905907, ClinGen allele CA10618879.